The following is an entry in ClinVar:

NM_172364.5(CACNA2D4):c.2158G>A (p.Glu720Lys)

Gene: CACNA2D4 (calcium voltage-gated channel auxiliary subunit alpha2delta 4; minus strand). Cytogenetic location: 12p13.33.
Variant type: single nucleotide variant.
Coding change: c.2158G>A on transcript NM_172364.5 (MANE Select); coding-DNA position 2158, G replaced by A.
Protein change: p.Glu720Lys; replaces glutamic acid 720 with lysine.
Molecular consequence: missense variant.
Genome position (GRCh38, 1-based): chr12:1,854,039, C>T on the plus strand (G>A on the coding strand, the complement: CACNA2D4 is on the minus strand). VCF-style: chr12-1854039-C-T. GRCh37 (hg19) VCF-style: chr12-1963205-C-T.
Other names: short protein forms E720K.
Identifiers: ClinVar variation 941982 (VCV000941982.11), dbSNP rs578029299, ClinGen allele CA6386816.

ClinVar aggregate classification (germline): Uncertain significance. Review status: criteria provided, multiple submitters, no conflicts (2 of 4 stars). 2 submissions from 2 submitters: Uncertain significance (2). Last evaluated 2025-08-20.

Allele frequency attached by ClinVar (database versions not stated): ExAC 0.00001; gnomAD 0.00002 and 0.00003; gnomAD exomes 0.00002; TOPMed 0.00002; 1000 Genomes Project 0.00020; 1000 Genomes Project 30x 0.00047.
gnomAD v4.1: 63 of 1,608,576 alleles (0.0039%); highest among the groups gnomAD compares: Non-Finnish European, 0.0049%; no homozygotes.

Submissions (2):

Labcorp Genetics (formerly Invitae), Labcorp
Classification: Uncertain significance. Last evaluated: 2025-08-20. Review status: criteria provided, single submitter. Criteria: Invitae Variant Classification Sherloc (09022015). Collection method: clinical testing. Allele origin: germline.
Comment: This sequence change replaces glutamic acid, which is acidic and polar, with lysine, which is basic and polar, at codon 720 of the CACNA2D4 protein (p.Glu720Lys). This variant is present in population databases (rs578029299, gnomAD 0.004%). This variant has not been reported in the literature in individuals affected with CACNA2D4-related conditions. ClinVar contains an entry for this variant (Variation ID: 941982). An algorithm developed to predict the effect of missense changes on protein structure and function (PolyPhen-2) suggests that this variant is likely to be tolerated. In summary, the available evidence is currently insufficient to determine the role of this variant in disease. Therefore, it has been classified as a Variant of Uncertain Significance.

Breakthrough Genomics
Classification: Uncertain significance. Review status: criteria provided, single submitter. Criteria: ACMG Guidelines, 2015. Collection method: not provided. Allele origin: germline. Inheritance: Autosomal recessive inheritance. Affected: yes.